The following is an entry in ClinVar:

ClinVar aggregate classification (germline): Likely benign (1 of 4 stars; one submission).

gnomAD v4.1: 2 of 1,602,520 alleles (0.00012%); highest among the groups gnomAD compares: Non-Finnish European, 0.00017%; no homozygotes.

Submission:

CeGaT Center for Human Genetics Tuebingen
Classification: Likely benign. Last evaluated: 2026-02-01. Review status: criteria provided, single submitter. Criteria: CeGaT Center For Human Genetics Tuebingen Variant Classification Criteria Version 2. Collection method: clinical testing. Allele origin: germline. Affected: yes. Observed: 1 variant allele.
Comment: TMEM237: BP4, BP7

NM_001044385.3(TMEM237):c.57T>C (p.Ala19=)

Gene: TMEM237 (transmembrane protein 237; minus strand). Cytogenetic location: 2q33.1.
Variant type: single nucleotide variant.
Coding change: c.57T>C on transcript NM_001044385.3 (MANE Select); coding-DNA position 57, T replaced by C.
Protein change: p.Ala19=; no amino-acid change (alanine 19 retained).
Molecular consequence: synonymous variant.
Genome position (GRCh38, 1-based): chr2:201,640,910, A>G on the plus strand (T>C on the coding strand, the complement: TMEM237 is on the minus strand). VCF-style: chr2-201640910-A-G. GRCh37 (hg19) VCF-style: chr2-202505633-A-G.
Other names: c.33T>C, p.Ala11= (NM_152388.4).
Identifiers: ClinVar variation 4823226 (VCV004823226.4).